The following is an entry in ClinVar:

NM_000257.4(MYH7):c.4499G>A (p.Arg1500Gln)

Genes: MHRT (myosin heavy chain associated RNA transcript; plus strand), MYH7 (myosin heavy chain 7; minus strand). Cytogenetic location: 14q11.2.
Variant type: single nucleotide variant.
Coding change: c.4499G>A on transcript NM_000257.4 (MANE Select); coding-DNA position 4499, G replaced by A.
Protein change: p.Arg1500Gln; replaces arginine 1500 with glutamine.
Molecular consequence: missense variant.
Genome position (GRCh38, 1-based): chr14:23,417,173, C>T on the plus strand (G>A on the coding strand, the complement: MYH7 is on the minus strand). VCF-style: chr14-23417173-C-T. GRCh37 (hg19) VCF-style: chr14-23886382-C-T.
Other names: p.R1500Q:CGG>CAG; NM_000257.4(MYH7):c.4499G>A; p.Arg1500Gln; c.4499G>A (LRG_384t1); short protein forms R1500Q.
Identifiers: ClinVar variation 180439 (VCV000180439.21), dbSNP rs121913647, ClinGen allele CA015036.

ClinVar aggregate classification (germline): Uncertain significance. Review status: reviewed by expert panel (3 of 4 stars). 7 submissions from 7 submitters: Uncertain significance (1). 6 of the submissions do not count toward it. Last evaluated 2025-11-11.

Conditions:
MYH7-related disorder. Also called: MYH7-related condition; MYH7-related disease; MYH7-related disorders.
Cardiovascular phenotype. Identifiers: MedGen CN230736.
Cardiomyopathy (CMYO). Also called: Cardiomyopathies. Identifiers: Orphanet 167848, MedGen C0878544, MONDO:0004994, HP:0001638. Inheritance: Various modes of inheritance.
Primary dilated cardiomyopathy (DCM). Also called: Dilated Cardiomyopathy. Identifiers: Orphanet 217604, MedGen C0007193, MeSH D002311, MONDO:0005021, HP:0001644. Inheritance: Various modes of inheritance.
Hypertrophic cardiomyopathy. Also called: HYPERTROPHIC MYOCARDIOPATHY. Identifiers: Orphanet 217569, MedGen C0007194, MeSH D002312, MONDO:0005045, HP:0001639.

Allele frequency attached by ClinVar (database versions not stated): gnomAD exomes 0.00001 and 0.00002; ExAC 0.00002.
gnomAD v4.1: 9 of 1,614,148 alleles (0.00056%); highest among the groups gnomAD compares: Non-Finnish European, 0.00068%; no homozygotes.

Submissions (7):

ClinGen Cardiomyopathy Variant Curation Expert Panel
Classification: Uncertain significance for Primary dilated cardiomyopathy. Last evaluated: 2025-11-11. Review status: reviewed by expert panel. Criteria: ClinGen CMP ACMG Specifications MYH7 V2.0.0. Collection method: curation. Allele origin: germline. Inheritance: Autosomal dominant inheritance.
Comment: The NM_000257.4(MYH7):c.4499G>A (p.Arg1500Gln) variant has been reported in at least 1 individual with features of ARVC and DCM (Murray 2018 PMID:29709087; Ambry pers. comm), as well as individuals with less specific cardiac features (GeneDx pers. comm.); however these data are insufficient to apply PS4. This variant was identified in 0.0007% (FAF 95% CI; 3/113770) of European chromosomes by gnomAD v2.1.1 (PM2). Computational prediction tools and conservation analysis suggest that this variant may impact the protein (PP3). In summary, due to insufficient evidence, this variant is classified as uncertain significance for cardiomyopathy in an autosomal dominant manner. MYH7-specific ACMG/AMP criteria applied (Kelly 2018 PMID:29300372): PM2, PP3.

Labcorp Genetics (formerly Invitae), Labcorp
Classification: Likely pathogenic for Hypertrophic cardiomyopathy. Last evaluated: 2025-12-14. Review status: criteria provided, single submitter. Criteria: Invitae Variant Classification Sherloc (09022015). Collection method: clinical testing. Allele origin: germline. Not counted in ClinVar's aggregate classification.
Comment: This sequence change replaces arginine, which is basic and polar, with glutamine, which is neutral and polar, at codon 1500 of the MYH7 protein (p.Arg1500Gln). This variant is present in population databases (rs121913647, gnomAD 0.003%). This variant has not been reported in the literature in individuals affected with MYH7-related conditions. ClinVar contains an entry for this variant (Variation ID: 180439). Invitae Evidence Modeling of protein sequence and biophysical properties (such as structural, functional, and spatial information, amino acid conservation, physicochemical variation, residue mobility, and thermodynamic stability) indicates that this missense variant is expected to disrupt MYH7 protein function with a positive predictive value of 95%. This variant disrupts the p.Arg1500 amino acid residue in MYH7. Other variant(s) that disrupt this residue have been determined to be pathogenic (PMID: 15556047, 18660445, 19412328, 24119082). This suggests that this residue is clinically significant, and that variants that disrupt this residue are likely to be disease-causing. In summary, the currently available evidence indicates that the variant is pathogenic, but additional data are needed to prove that conclusively. Therefore, this variant has been classified as Likely Pathogenic.

GeneDx
Classification: Uncertain significance. Last evaluated: 2025-06-03. Review status: criteria provided, single submitter. Criteria: GeneDx Variant Classification Process June 2021. Collection method: clinical testing. Allele origin: germline. Affected: yes. Not counted in ClinVar's aggregate classification.
Comment: Identified in patients with cardiomyopathy in published literature (PMID: 27247418, 29709087, 35653365); Not observed at significant frequency in large population cohorts (gnomAD); In silico analysis supports that this missense variant has a deleterious effect on protein structure/function; This variant is associated with the following publications: (PMID: 31447099, 35653365, 27247418, 29709087)

Ambry Genetics
Classification: Uncertain significance for Cardiovascular phenotype. Last evaluated: 2024-05-21. Review status: criteria provided, single submitter. Criteria: Ambry Variant Classification Scheme 2023. Collection method: clinical testing. Allele origin: germline. Not counted in ClinVar's aggregate classification.
Comment: The p.R1500Q variant (also known as c.4499G>A), located in coding exon 30 of the MYH7 gene, results from a G to A substitution at nucleotide position 4499. The arginine at codon 1500 is replaced by glutamine, an amino acid with highly similar properties. This alteration has been reported in an arrhythmogenic right ventricular cardiomyopathy (ARVC) cohort (Murray B et al. J Cardiovasc Electrophysiol, 2018 07;29:1004-1009). This amino acid position is highly conserved in available vertebrate species. In addition, this alteration is predicted to be deleterious by in silico analysis. Based on the available evidence, the clinical significance of this variant remains unclear.

All of Us Research Program, National Institutes of Health
Classification: Uncertain significance for Cardiomyopathy. Last evaluated: 2024-03-14. Review status: criteria provided, single submitter. Criteria: ACMG Guidelines, 2015. Collection method: clinical testing. Allele origin: germline. Inheritance: Autosomal dominant inheritance. Observed: 1 variant allele, 1 heterozygote. Not counted in ClinVar's aggregate classification.
Comment: This missense variant replaces arginine with glutamine at codon 1500 of the MYH7 protein. Computational prediction suggests that this variant may have deleterious impact on protein structure and function (internally defined REVEL score threshold >= 0.7, PMID: 27666373). To our knowledge, functional studies have not been reported for this variant. This variant has been reported in one individual affected with arrhythmogenic right ventricular cardiomyopathy (PMID: 29709087). This variant has been identified in 4/251492 chromosomes in the general population by the Genome Aggregation Database (gnomAD). The available evidence is insufficient to determine the role of this variant in disease conclusively. Therefore, this variant is classified as a Variant of Uncertain Significance.

This study involves interpretation of variants in research participants for the purpose of population health screening. Participant phenotype was not available at the time of variant classification. Additional details can be found in publication PMID: 35346344, PMCID: PMC8962531

Blueprint Genetics
Classification: Likely pathogenic for MYH7-related disorders. Last evaluated: 2024-01-25. Review status: criteria provided, single submitter. Criteria: ACMG Guidelines, 2015. Collection method: clinical testing. Allele origin: germline. Affected: yes. Observed: 2 variant alleles. Not counted in ClinVar's aggregate classification.

Revvity Omics, Revvity
Classification: Uncertain significance. Last evaluated: 2021-03-16. Review status: criteria provided, single submitter. Criteria: ACMG Guidelines, 2015. Collection method: clinical testing. Allele origin: germline. Not counted in ClinVar's aggregate classification.

Literature cited by the submitters: PubMed 15556047 (cited by Labcorp Genetics (formerly Invitae), Labcorp); PubMed 18660445 (cited by Labcorp Genetics (formerly Invitae), Labcorp); PubMed 19412328 (cited by Labcorp Genetics (formerly Invitae), Labcorp); PubMed 24119082 (cited by Labcorp Genetics (formerly Invitae), Labcorp); PubMed 29709087 (cited by Ambry Genetics and All of Us Research Program, National Institutes of Health).